The following is an entry in ClinVar:

NM_000096.4(CP):c.2224G>C (p.Glu742Gln)

Gene: CP (ceruloplasmin; minus strand). Cytogenetic location: 3q24.
Variant type: single nucleotide variant.
Coding change: c.2224G>C on transcript NM_000096.4 (MANE Select); coding-DNA position 2224, G replaced by C.
Protein change: p.Glu742Gln; replaces glutamic acid 742 with glutamine.
Molecular consequence: missense variant. On other transcripts: non-coding transcript variant (1).
Genome position (GRCh38, 1-based): chr3:149,185,300, C>G on the plus strand (G>C on the coding strand, the complement: CP is on the minus strand). VCF-style: chr3-149185300-C-G. GRCh37 (hg19) VCF-style: chr3-148903087-C-G.
Other names: short protein forms E742Q.
Identifiers: ClinVar variation 937599 (VCV000937599.11), dbSNP rs527915587, ClinGen allele CA2660815.

ClinVar aggregate classification (germline): Uncertain significance. Review status: criteria provided, multiple submitters, no conflicts (2 of 4 stars). 2 submissions from 2 submitters: Uncertain significance (2). Last evaluated 2025-08-10.

Conditions:
Inborn genetic diseases. Identifiers: MedGen C0950123, MeSH D030342.
Deficiency of ferroxidase (ACEP). Also called: NEURODEGENERATION WITH BRAIN IRON ACCUMULATION 10; Ceruloplasmin deficiency; Familial apoceruloplasmin deficiency; Hereditary ceruloplasmin deficiency; Deficiency of ceruloplasmin; Aceruloplasminemia. Identifiers: Orphanet 48818, MedGen C0878682, MONDO:0011426, OMIM 604290, HP:0025498.

Allele frequency attached by ClinVar (database versions not stated): gnomAD 0.00001 and 0.00003; gnomAD exomes 0.00001 and 0.00007; TOPMed 0.00002; ExAC 0.00008; 1000 Genomes Project 30x 0.00031; 1000 Genomes Project 0.00040.
gnomAD v4.1: 23 of 1,613,998 alleles (0.0014%); highest among the groups gnomAD compares: East Asian, 0.047%; no homozygotes.

Submissions (2):

Ambry Genetics
Classification: Uncertain significance for Inborn genetic diseases. Last evaluated: 2025-08-10. Review status: criteria provided, single submitter. Criteria: Ambry Variant Classification Scheme 2023. Collection method: clinical testing. Allele origin: germline.

Labcorp Genetics (formerly Invitae), Labcorp
Classification: Uncertain significance for Deficiency of ferroxidase. Last evaluated: 2025-05-19. Review status: criteria provided, single submitter. Criteria: Invitae Variant Classification Sherloc (09022015). Collection method: clinical testing. Allele origin: germline.
Comment: This sequence change replaces glutamic acid, which is acidic and polar, with glutamine, which is neutral and polar, at codon 742 of the CP protein (p.Glu742Gln). This variant is present in population databases (rs527915587, gnomAD 0.09%). This variant has not been reported in the literature in individuals affected with CP-related conditions. ClinVar contains an entry for this variant (Variation ID: 937599). Invitae Evidence Modeling of protein sequence and biophysical properties (such as structural, functional, and spatial information, amino acid conservation, physicochemical variation, residue mobility, and thermodynamic stability) indicates that this missense variant is not expected to disrupt CP protein function with a negative predictive value of 80%. In summary, the available evidence is currently insufficient to determine the role of this variant in disease. Therefore, it has been classified as a Variant of Uncertain Significance.